The following is an entry in ClinVar:

ClinVar aggregate classification (germline): Conflicting classifications of pathogenicity. Review status: criteria provided, conflicting classifications (1 of 4 stars). 4 submissions from 4 submitters: Uncertain significance (3); Benign (1). Last evaluated 2025-07-05.

Conditions:
Tuberous sclerosis 2 (TSC2). Identifiers: Orphanet 805, MedGen C1860707, MONDO:0013199, OMIM 613254.
Hereditary cancer-predisposing syndrome. Also called: Neoplastic Syndromes, Hereditary; Hereditary Cancer Syndrome; Tumor predisposition; Hereditary neoplastic syndrome. Identifiers: Orphanet 140162, MedGen C0027672, MeSH D009386, MONDO:0015356.
Lymphangiomyomatosis (LAM). Also called: Lymphangioleiomyomatosis, somatic; Lymphangioleiomyomatosis. Identifiers: Orphanet 538, MedGen C0751674, MONDO:0011705, OMIM 606690.
Isolated focal cortical dysplasia type II (FCORD2). Also called: CORTICAL DYSPLASIA OF TAYLOR; Focal cortical dysplasia type II. Identifiers: Orphanet 268994, MedGen C1846385, MONDO:0011818, OMIM 607341, HP:0032051.

Allele frequency attached by ClinVar (database versions not stated): gnomAD exomes below 0.00001; TOPMed below 0.00001; gnomAD 0.00001.
gnomAD v4.1: 4 of 1,612,602 alleles (0.00025%); highest among the groups gnomAD compares: East Asian, 0.0045%; no homozygotes.

Submissions (4):

Ambry Genetics
Classification: Uncertain significance for Hereditary cancer-predisposing syndrome. Last evaluated: 2025-07-05. Review status: criteria provided, single submitter. Criteria: Ambry Variant Classification Scheme 2023. Collection method: clinical testing. Allele origin: germline.
Comment: The p.H1566R variant (also known as c.4697A>G), located in coding exon 36 of the TSC2 gene, results from an A to G substitution at nucleotide position 4697. The histidine at codon 1566 is replaced by arginine, an amino acid with highly similar properties. This amino acid position is well conserved in available vertebrate species. In addition, this alteration is predicted to be deleterious by in silico analysis. Since supporting evidence is limited at this time, the clinical significance of this alteration remains unclear.

Labcorp Genetics (formerly Invitae), Labcorp
Classification: Benign for Tuberous sclerosis 2. Last evaluated: 2025-05-05. Review status: criteria provided, single submitter. Criteria: Invitae Variant Classification Sherloc (09022015). Collection method: clinical testing. Allele origin: germline.

Fulgent Genetics
Classification: Uncertain significance for Lymphangiomyomatosis; Isolated focal cortical dysplasia type II; Tuberous sclerosis 2. Last evaluated: 2024-04-16. Review status: criteria provided, single submitter. Criteria: ACMG Guidelines, 2015. Collection method: clinical testing. Allele origin: germline.

GeneDx
Classification: Uncertain significance. Last evaluated: 2019-11-13. Review status: criteria provided, single submitter. Criteria: GeneDx Variant Classification Process June 2021. Collection method: clinical testing. Allele origin: germline. Affected: yes.
Comment: In silico analysis, which includes protein predictors and evolutionary conservation, supports a deleterious effect; Has not been previously published as pathogenic or benign to our knowledge

NM_000548.5(TSC2):c.4697A>G (p.His1566Arg)

Gene: TSC2 (TSC complex subunit 2; plus strand). Cytogenetic location: 16p13.3.
Variant type: single nucleotide variant.
Coding change: c.4697A>G on transcript NM_000548.5 (MANE Select); coding-DNA position 4697, A replaced by G.
Protein change: p.His1566Arg; replaces histidine 1566 with arginine.
Molecular consequence: missense variant.
Genome position (GRCh38, 1-based): chr16:2,086,227, A>G. VCF-style: chr16-2086227-A-G. GRCh37 (hg19) VCF-style: chr16-2136228-A-G.
Other names: c.4496A>G, p.His1499Arg (NM_001077183.3); c.4628A>G, p.His1543Arg (NM_001114382.3); c.4388A>G, p.His1463Arg (NM_001318827.2); c.4352A>G, p.His1451Arg (NM_001318829.2); c.3965A>G, p.His1322Arg (NM_001318831.2); c.4529A>G, p.His1510Arg (NM_001318832.2); c.4499A>G, p.His1500Arg (NM_001363528.2); c.4565A>G, p.His1522Arg (NM_001370404.1); and 1 more; short protein forms H1322R, H1451R, H1463R, H1499R, H1500R, H1510R, H1522R, H1523R.
Identifiers: ClinVar variation 1309870 (VCV001309870.13), dbSNP rs1448001502, ClinGen allele CA394307249.